The following is an entry in ClinVar:

NM_024809.5(TCTN2):c.964dup (p.Thr322fs)

Gene: TCTN2 (tectonic family member 2; plus strand). Cytogenetic location: 12q24.31.
Variant type: Duplication.
Coding change: c.964dup on transcript NM_024809.5 (MANE Select); coding-DNA position 964, one base duplicated (A; older notation c.964dupA).
Protein change: p.Thr322fs; shifts the reading frame from threonine 322.
Molecular consequence: frameshift variant.
Genome position (GRCh38, 1-based): chr12:123,690,605, A duplicated. VCF-style (leftmost placement, unchanged base first): chr12-123690604-T-TA. GRCh37 (hg19) VCF-style: chr12-124175151-T-TA.
Other names: c.961dup, p.Thr321fs (NM_001143850.3); short protein forms T321fs, T322fs.
Identifiers: ClinVar variation 289262 (VCV000289262.9), dbSNP rs746186338, ClinGen allele CA6861055.
Genomic context (GRCh38, chr12:123,690,604, plus strand): 5'-TGGGCAGTGTATGCAGAACGCCCCAGTGGCATTTCTTCACAATTTTGATGTTAAATGCGT[T>TA]ACTAATTTGGAACTATACCAAGAACGAGATGGTATTATCAATGCGAAGATAAAGAATGTT-3'

ClinVar aggregate classification (germline): Pathogenic/Likely pathogenic. Review status: criteria provided, multiple submitters, no conflicts (2 of 4 stars). 2 submissions from 2 submitters: Pathogenic (1); Likely pathogenic (1). Last evaluated 2022-12-29.

Conditions:
Meckel-Gruber syndrome. Also called: Dysencephalia splachnocystica; DYSENCEPHALIA SPLANCHNOCYSTICA; GRUBER SYNDROME. Identifiers: Orphanet 564, MedGen C0265215, MONDO:0018921.
Joubert syndrome. Also called: Familial aplasia of the vermis; CEREBELLOPARENCHYMAL DISORDER IV; JOUBERT-BOLTSHAUSER SYNDROME. Identifiers: Orphanet 475, MedGen C5979921, MONDO:0018772.

Allele frequency attached by ClinVar (database versions not stated): gnomAD exomes below 0.00001; ExAC 0.00001.

Submissions (2):

Labcorp Genetics (formerly Invitae), Labcorp
Classification: Pathogenic for Joubert syndrome; Meckel-Gruber syndrome. Last evaluated: 2022-12-29. Review status: criteria provided, single submitter. Criteria: Invitae Variant Classification Sherloc (09022015). Collection method: clinical testing. Allele origin: germline.
Comment: For these reasons, this variant has been classified as Pathogenic. ClinVar contains an entry for this variant (Variation ID: 289262). This sequence change creates a premature translational stop signal (p.Thr322Asnfs*2) in the TCTN2 gene. It is expected to result in an absent or disrupted protein product. Loss-of-function variants in TCTN2 are known to be pathogenic (PMID: 21565611). This variant is present in population databases (rs746186338, gnomAD 0.0009%). This variant has not been reported in the literature in individuals affected with TCTN2-related conditions.

Eurofins Ntd Llc (ga)
Classification: Likely pathogenic. Last evaluated: 2016-08-08. Review status: criteria provided, single submitter. Criteria: EGL Classification Definitions. Collection method: clinical testing. Allele origin: germline. Observed: 1 variant allele, 1 heterozygote.

Literature cited by the submitters: PubMed 21565611 (cited by Labcorp Genetics (formerly Invitae), Labcorp).